The following is an entry in ClinVar:

NM_001458.5(FLNC):c.1857C>A (p.Asp619Glu)

Gene: FLNC (filamin C; plus strand). Cytogenetic location: 7q32.1.
Variant type: single nucleotide variant.
Coding change: c.1857C>A on transcript NM_001458.5 (MANE Select); coding-DNA position 1857, C replaced by A.
Protein change: p.Asp619Glu; replaces aspartic acid 619 with glutamic acid.
Molecular consequence: missense variant.
Genome position (GRCh38, 1-based): chr7:128,841,213, C>A. VCF-style: chr7-128841213-C-A. GRCh37 (hg19) VCF-style: chr7-128481267-C-A.
Other names: c.1857C>A, p.Asp619Glu (NM_001127487.2); short protein forms D619E.
Identifiers: ClinVar variation 4025611 (VCV004025611.1).
Genomic context (GRCh38, chr7:128,841,213, plus strand): 5'-CCCCCACCTTGCCCCAGGCTTCTCCATCGAGGGGCCCTCACAAGCCAAGATCGAATGTGA[C>A]GACAAGGGGGATGGCTCCTGCGATGTGCGGTACTGGCCCACGGAGCCTGGGGAGTACGCT-3'
Protein context (NP_001449.3, residues 609-629): EGPSQAKIEC[Asp619Glu]DKGDGSCDVR

ClinVar aggregate classification (germline): Uncertain significance (1 of 4 stars; one submission).

Conditions:
Cardiovascular phenotype. Identifiers: MedGen CN230736.

gnomAD v4.1: 1 of 1,614,062 alleles (0.000062%); highest among the groups gnomAD compares: Non-Finnish European, 0.000085%; no homozygotes.

Submission:

Ambry Genetics
Classification: Uncertain significance for Cardiovascular phenotype. Last evaluated: 2025-05-05. Review status: criteria provided, single submitter. Criteria: Ambry Variant Classification Scheme 2023. Collection method: clinical testing. Allele origin: germline.
Comment: The p.D619E variant (also known as c.1857C>A), located in coding exon 12 of the FLNC gene, results from a C to A substitution at nucleotide position 1857. The aspartic acid at codon 619 is replaced by glutamic acid, an amino acid with highly similar properties. This variant was reported in individual(s) with features consistent with hypertrophic cardiomyopathy (Ambry internal data). This amino acid position is highly conserved in available vertebrate species. In addition, this alteration is predicted to be tolerated by in silico analysis. Based on the available evidence, the clinical significance of this variant remains unclear.